The following is an entry in ClinVar:

NM_001033855.3(DCLRE1C):c.201GTT[2] (p.Leu70del)

Gene: DCLRE1C (DNA cross-link repair 1C; minus strand). Cytogenetic location: 10p13.
Variant type: Microsatellite.
Coding change: c.201GTT[2] on transcript NM_001033855.3 (MANE Select); two copies in a row of the 3-base unit GTT starting at c.201; the reference has three copies in a row; one copy, 3 bases deleted; also written c.207_209del.
Protein change: p.Leu70del; deletes leucine 70.
Molecular consequence: inframe deletion. On other transcripts: 5 prime UTR variant (8), non-coding transcript variant (4), intron variant (1).
Genome position (GRCh38, 1-based): chr10:14,945,142-14,945,144, AAC deleted on the plus strand (GTT on the coding strand, the reverse complement: DCLRE1C is on the minus strand); deleting any 3 consecutive bases within chr10:14,945,142-14,945,150 gives the same sequence; the position shown is the placement nearest the transcript's 3' end. VCF-style (leftmost placement, unchanged base first): chr10-14945141-TAAC-T. GRCh37 (hg19) VCF-style: chr10-14987140-TAAC-T.
Other names: c.-160GTT[2] (NM_001033857.3, NM_001289077.2, NM_001350967.2); c.-482GTT[2] (NM_001033858.3, NM_001289079.2); c.-89GTT[2] (NM_001289078.2, NM_001350966.2, NM_022487.4); c.201GTT[2], p.Leu70del (NM_001350965.2); c.-44+3886GTT[2] (NM_001289076.2); c.207_209del (NM_001033855.3); short protein forms L70del.
Identifiers: ClinVar variation 858042 (VCV000858042.45), dbSNP rs753202682, ClinGen allele CA5416977.

ClinVar aggregate classification (germline): Conflicting classifications of pathogenicity. Review status: criteria provided, conflicting classifications (1 of 4 stars). 4 submissions from 4 submitters: Likely pathogenic (1); Uncertain significance (2). 1 of the submissions does not count toward it. Last evaluated 2021-08-03.

Conditions:
Severe combined immunodeficiency due to DCLRE1C deficiency (RS-SCID). Also called: SCID, AUTOSOMAL RECESSIVE, T CELL-NEGATIVE, B CELL-NEGATIVE, NK CELL-POSITIVE, WITH SENSITIVITY TO IONIZING RADIATION. Identifiers: Orphanet 275, MedGen C1865371, MONDO:0011225, OMIM 602450.
Athabaskan severe combined immunodeficiency (SCIDA). Also called: Severe combined immunodeficiency, athabascan-type. Identifiers: MedGen C1865370.

Submissions (4):

Blueprint Genetics
Classification: Uncertain significance. Last evaluated: 2021-08-03. Review status: criteria provided, single submitter. Criteria: ACMG Guidelines, 2015. Collection method: clinical testing. Allele origin: germline.

Labcorp Genetics (formerly Invitae), Labcorp
Classification: Uncertain significance for Athabaskan severe combined immunodeficiency. Last evaluated: 2021-07-14. Review status: criteria provided, single submitter. Criteria: Invitae Variant Classification Sherloc (09022015). Collection method: clinical testing. Allele origin: germline.
Comment: This variant, c.207_209del, results in the deletion of 1 amino acid(s) of the DCLRE1C protein (p.Leu70del), but otherwise preserves the integrity of the reading frame. This variant is present in population databases (rs753202682, ExAC 0.02%). This variant has been observed in individual(s) with combined immunodeficiency whose fibroblasts showed an increased sensitivity to ionizing radiation (PMID: 10416610, 25917813). Algorithms developed to predict the effect of variants on protein structure and function are not available or were not evaluated for this variant. Experimental studies are conflicting or provide insufficient evidence to determine the effect of this variant on DCLRE1C protein function (PMID: 16540517, 25917813). In summary, the available evidence is currently insufficient to determine the role of this variant in disease. Therefore, it has been classified as a Variant of Uncertain Significance.

CeGaT Center for Human Genetics Tuebingen
Classification: Likely pathogenic. Last evaluated: 2021-05-01. Review status: criteria provided, single submitter. Criteria: CeGaT Center For Human Genetics Tuebingen Variant Classification Criteria Version 2. Collection method: clinical testing. Allele origin: germline. Affected: yes. Observed: 3 variant alleles.

Natera, Inc.
Classification: Uncertain significance for Athabascan severe combined immunodeficiency. Last evaluated: 2020-11-05. Review status: no assertion criteria provided. Collection method: clinical testing. Allele origin: germline. Not counted in ClinVar's aggregate classification.

Literature cited by the submitters: PubMed 10416610 (cited by Labcorp Genetics (formerly Invitae), Labcorp); PubMed 25917813 (cited by Labcorp Genetics (formerly Invitae), Labcorp); PubMed 16540517 (cited by Labcorp Genetics (formerly Invitae), Labcorp).